The following is an entry in ClinVar:

NM_001080442.3(SLC38A8):c.545dup (p.Ala183fs)

Gene: SLC38A8 (solute carrier family 38 member 8; minus strand). Cytogenetic location: 16q23.3.
Variant type: Duplication.
Coding change: c.545dup on transcript NM_001080442.3 (MANE Select); coding-DNA position 545, one base duplicated (T; older notation c.545dupT).
Protein change: p.Ala183fs; shifts the reading frame from alanine 183.
Molecular consequence: frameshift variant.
Genome position (GRCh38, 1-based): chr16:84,031,954, A duplicated on the plus strand (T on the coding strand, the reverse complement: SLC38A8 is on the minus strand). VCF-style (leftmost placement, unchanged base first): chr16-84031953-C-CA. GRCh37 (hg19) VCF-style: chr16-84065558-C-CA.
Other names: short protein forms A183fs.
Identifiers: ClinVar variation 4982679 (VCV004982679.1).

ClinVar aggregate classification (germline): Likely pathogenic (1 of 4 stars; one submission).

Conditions:
SLC38A8-related disorder. Also called: SLC38A8-related condition.

Submission:

PreventionGenetics, part of Exact Sciences
Classification: Likely pathogenic for SLC38A8-related condition. Last evaluated: 2026-04-03. Review status: criteria provided, single submitter. Criteria: ACMG Guidelines, 2015. Collection method: clinical testing. Allele origin: germline.
Comment: The SLC38A8 c.545dupT variant is predicted to result in a frameshift and premature protein termination (p.Ala183Glyfs*23). To our knowledge, this variant has not been reported in the literature. This variant is reported in 0.012% of alleles in individuals of African descent in gnomAD. Frameshift variants in SLC38A8 are expected to be pathogenic. This variant is interpreted as likely pathogenic.